The following is an entry in ClinVar:

NM_020778.5(ALPK3):c.1050C>G (p.Asp350Glu)

Gene: ALPK3 (alpha kinase 3; plus strand). Cytogenetic location: 15q25.3.
Variant type: single nucleotide variant.
Coding change: c.1050C>G on transcript NM_020778.5 (MANE Select); coding-DNA position 1050, C replaced by G.
Protein change: p.Asp350Glu; replaces aspartic acid 350 with glutamic acid.
Molecular consequence: missense variant.
Genome position (GRCh38, 1-based): chr15:84,840,329, C>G. VCF-style: chr15-84840329-C-G. GRCh37 (hg19) VCF-style: chr15-85383560-C-G.
Other names: short protein forms D350E.
Identifiers: ClinVar variation 2102219 (VCV002102219.4), dbSNP rs771019220, ClinGen allele CA7709112.

ClinVar aggregate classification (germline): Uncertain significance (1 of 4 stars; one submission).

gnomAD v4.1: 1 of 1,613,966 alleles (0.000062%); highest among the groups gnomAD compares: Non-Finnish European, 0.000085%; no homozygotes.

Submission:

Labcorp Genetics (formerly Invitae), Labcorp
Classification: Uncertain significance. Last evaluated: 2022-02-22. Review status: criteria provided, single submitter. Criteria: Invitae Variant Classification Sherloc (09022015). Collection method: clinical testing. Allele origin: germline.
Comment: This sequence change replaces aspartic acid, which is acidic and polar, with glutamic acid, which is acidic and polar, at codon 552 of the ALPK3 protein (p.Asp552Glu). In summary, the available evidence is currently insufficient to determine the role of this variant in disease. Therefore, it has been classified as a Variant of Uncertain Significance. Algorithms developed to predict the effect of missense changes on protein structure and function are either unavailable or do not agree on the potential impact of this missense change (SIFT: "Tolerated"; PolyPhen-2: "Possibly Damaging"; Align-GVGD: "Class C0"). This variant has not been reported in the literature in individuals affected with ALPK3-related conditions. This variant is present in population databases (rs771019220, gnomAD 0.0009%).